The following is an entry in ClinVar:

NM_000258.3(MYL3):c.518T>C (p.Met173Thr)

Gene: MYL3 (myosin light chain 3; minus strand). Cytogenetic location: 3p21.31.
Variant type: single nucleotide variant.
Coding change: c.518T>C on transcript NM_000258.3 (MANE Select); coding-DNA position 518, T replaced by C.
Protein change: p.Met173Thr; replaces methionine 173 with threonine.
Molecular consequence: missense variant.
Genome position (GRCh38, 1-based): chr3:46,858,425, A>G on the plus strand (T>C on the coding strand, the complement: MYL3 is on the minus strand). VCF-style: chr3-46858425-A-G. GRCh37 (hg19) VCF-style: chr3-46899915-A-G.
Other names: short protein forms M173T.
Identifiers: ClinVar variation 580400 (VCV000580400.13), dbSNP rs730880962, ClinGen allele CA352495476.

ClinVar aggregate classification (germline): Uncertain significance. Review status: criteria provided, multiple submitters, no conflicts (2 of 4 stars). 4 submissions from 4 submitters: Uncertain significance (4). Last evaluated 2026-01-05.

Conditions:
Hypertrophic cardiomyopathy. Also called: HYPERTROPHIC MYOCARDIOPATHY. Identifiers: Orphanet 217569, MedGen C0007194, MeSH D002312, MONDO:0005045, HP:0001639.
Cardiovascular phenotype. Identifiers: MedGen CN230736.

Submissions (4):

Dasa
Classification: Uncertain significance. Last evaluated: 2026-01-05. Review status: criteria provided, single submitter. Criteria: DASA Assertion Criteria. Collection method: clinical testing. Allele origin: germline.
Comment: NM_000258.3(MYL3):c.518T>C (p.Met173Thr) is a missense variant that results in the substitution of methionine with threonine. This variant is absent from population databases. Computational prediction algorithms are consistent with a deleterious effect. The currently available literature and clinical evidence are not sufficient to establish a definitive association between this variant and the reported condition. Therefore, this variant is classified as a variant of uncertain significance.

Labcorp Genetics (formerly Invitae), Labcorp
Classification: Uncertain significance for Hypertrophic cardiomyopathy. Last evaluated: 2025-12-08. Review status: criteria provided, single submitter. Criteria: Invitae Variant Classification Sherloc (09022015). Collection method: clinical testing. Allele origin: germline.
Comment: This sequence change replaces methionine, which is neutral and non-polar, with threonine, which is neutral and polar, at codon 173 of the MYL3 protein (p.Met173Thr). This variant is not present in population databases (gnomAD no frequency). This missense change has been observed in individual(s) with hypertrophic cardiomyopathy (PMID: 35626289, 37652022). ClinVar contains an entry for this variant (Variation ID: 580400). An algorithm developed to predict the effect of missense changes on protein structure and function (PolyPhen-2) suggests that this variant is likely to be disruptive. In summary, the available evidence is currently insufficient to determine the role of this variant in disease. Therefore, it has been classified as a Variant of Uncertain Significance.

GeneDx
Classification: Uncertain significance. Last evaluated: 2022-11-25. Review status: criteria provided, single submitter. Criteria: GeneDx Variant Classification Process June 2021. Collection method: clinical testing. Allele origin: germline. Affected: yes.
Comment: Has not been previously published as pathogenic or benign to our knowledge; Not observed at significant frequency in large population cohorts (gnomAD); In silico analysis supports that this missense variant has a deleterious effect on protein structure/function

Ambry Genetics
Classification: Uncertain significance for Cardiovascular phenotype. Last evaluated: 2020-02-07. Review status: criteria provided, single submitter. Criteria: Ambry Variant Classification Scheme 2023. Collection method: clinical testing. Allele origin: germline.
Comment: The p.M173T variant (also known as c.518T>C), located in coding exon 5 of the MYL3 gene, results from a T to C substitution at nucleotide position 518. The methionine at codon 173 is replaced by threonine, an amino acid with similar properties. An alternate amino acid substitution at this codon, p.M173V, has been reported in a pediatric onset hypertrophic cardiomyopathy case; however, clinical details were limited (Morita H et al. N. Engl. J. Med., 2008 May;358:1899-908). This amino acid position is well conserved in available vertebrate species. In addition, this alteration is predicted to be deleterious by in silico analysis. Since supporting evidence is limited at this time, the clinical significance of this alteration remains unclear.

Literature cited by the submitters: PubMed 35626289 (cited by Labcorp Genetics (formerly Invitae), Labcorp); PubMed 37652022 (cited by Labcorp Genetics (formerly Invitae), Labcorp); PubMed 18403758 (cited by Ambry Genetics).